The following is an entry in ClinVar:

NM_000138.5(FBN1):c.1117del (p.Ala373fs)

Genes: FBN1 (fibrillin 1; minus strand), LOC113939944 (Sharpr-MPRA regulatory region 9539; plus strand). Cytogenetic location: 15q21.1.
Variant type: Deletion.
Coding change: c.1117del on transcript NM_000138.5 (MANE Select); coding-DNA position 1117, one base deleted (G; older notation c.1117delG).
Protein change: p.Ala373fs; shifts the reading frame from alanine 373.
Molecular consequence: frameshift variant.
Genome position (GRCh38, 1-based): chr15:48,520,689, C deleted on the plus strand (G on the coding strand, the reverse complement: FBN1 is on the minus strand). VCF-style (leftmost placement, unchanged base first): chr15-48520688-GC-G. GRCh37 (hg19) VCF-style: chr15-48812885-GC-G.
Other names: c.1117delG, p.Ala373Profs (NM_000138.4); c.1117del, p.Ala373fs (NM_001406716.1); short protein forms A373fs.
Identifiers: ClinVar variation 2691171 (VCV002691171.4), dbSNP rs2505628775, ClinGen allele CA2697549058.
Genomic context (GRCh38, chr15:48,520,688, plus strand): 5'-ATATTCTGCAGATAACTGGAAGGGCTCTTACCGGTTGCTCTGATGGGACACATCTCAGGG[GC>G]GACAGTGACCCCTGGAGACCAGCATCGGCCGGCATCACAGCAGCACTGCATTTTGGTTAT-3'

ClinVar aggregate classification (germline): Pathogenic/Likely pathogenic. Review status: criteria provided, multiple submitters, no conflicts (2 of 4 stars). 2 submissions from 2 submitters: Pathogenic (1); Likely pathogenic (1). Last evaluated 2023-03-03.

Conditions:
Familial thoracic aortic aneurysm and aortic dissection (TAAD). Also called: Thoracic aortic aneurysms and dissections. Identifiers: Orphanet 91387, MedGen C4707243, MONDO:0019625.
Marfan syndrome (MFS). Also called: MARFAN SYNDROME, TYPE I; Marfan syndrome type 1; Marfan's syndrome; Marfan syndrome, classic; FBN1-Related Marfan Syndrome. Identifiers: Orphanet 284963, Orphanet 558, MedGen C0024796, MONDO:0007947, OMIM 154700.

Submissions (2):

Labcorp Genetics (formerly Invitae), Labcorp
Classification: Pathogenic for Marfan syndrome; Familial thoracic aortic aneurysm and aortic dissection. Last evaluated: 2023-03-03. Review status: criteria provided, single submitter. Criteria: Invitae Variant Classification Sherloc (09022015). Collection method: clinical testing. Allele origin: germline.
Comment: For these reasons, this variant has been classified as Pathogenic. This variant has not been reported in the literature in individuals affected with FBN1-related conditions. This variant is not present in population databases (gnomAD no frequency). This sequence change creates a premature translational stop signal (p.Ala373Profs*22) in the FBN1 gene. It is expected to result in an absent or disrupted protein product. Loss-of-function variants in FBN1 are known to be pathogenic (PMID: 17657824, 19293843).

CHEO Genetics Diagnostic Laboratory, Children's Hospital of Eastern Ontario
Classification: Likely pathogenic for Familial thoracic aortic aneurysm and aortic dissection. Last evaluated: 2022-10-05. Review status: criteria provided, single submitter. Criteria: ACMG Guidelines, 2015. Collection method: clinical testing. Allele origin: germline.

Literature cited by the submitters: PubMed 17657824 (cited by Labcorp Genetics (formerly Invitae), Labcorp); PubMed 19293843 (cited by Labcorp Genetics (formerly Invitae), Labcorp).